The following is an entry in ClinVar:

NM_001170700.3(DTHD1):c.1819C>T (p.His607Tyr)

Gene: DTHD1 (death domain containing 1; plus strand). Cytogenetic location: 4p14.
Variant type: single nucleotide variant.
Coding change: c.1819C>T on transcript NM_001170700.3 (MANE Select); coding-DNA position 1819, C replaced by T.
Protein change: p.His607Tyr; replaces histidine 607 with tyrosine.
Molecular consequence: missense variant. On other transcripts: non-coding transcript variant (2).
Genome position (GRCh38, 1-based): chr4:36,308,217, C>T. VCF-style: chr4-36308217-C-T. GRCh37 (hg19) VCF-style: chr4-36309839-C-T.
Other names: c.949C>T, p.His317Tyr (NM_001136536.5); c.886C>T, p.His296Tyr (NM_001378435.1); short protein forms H296Y, H317Y, H607Y.
Identifiers: ClinVar variation 1058129 (VCV001058129.9), dbSNP rs749054756, ClinGen allele CA2885680.

ClinVar aggregate classification (germline): Uncertain significance (1 of 4 stars; one submission).

Allele frequency attached by ClinVar (database versions not stated): gnomAD 0.00001 and 0.00002; TOPMed 0.00001; gnomAD exomes 0.00002 and 0.00004; ExAC 0.00009.
gnomAD v4.1: 30 of 1,552,038 alleles (0.0019%); highest among the groups gnomAD compares: South Asian, 0.027%; 1 homozygote.

Submission:

Labcorp Genetics (formerly Invitae), Labcorp
Classification: Uncertain significance. Last evaluated: 2025-01-07. Review status: criteria provided, single submitter. Criteria: Invitae Variant Classification Sherloc (09022015). Collection method: clinical testing. Allele origin: germline.
Comment: This sequence change replaces histidine, which is basic and polar, with tyrosine, which is neutral and polar, at codon 317 of the DTHD1 protein (p.His317Tyr). This variant is present in population databases (rs749054756, gnomAD 0.02%). This variant has not been reported in the literature in individuals affected with DTHD1-related conditions. ClinVar contains an entry for this variant (Variation ID: 1058129). An algorithm developed to predict the effect of missense changes on protein structure and function outputs the following: PolyPhen-2: "Benign". The tyrosine amino acid residue is found in multiple mammalian species, which suggests that this missense change does not adversely affect protein function. In summary, the available evidence is currently insufficient to determine the role of this variant in disease. Therefore, it has been classified as a Variant of Uncertain Significance.